The following is an entry in ClinVar:

ClinVar aggregate classification (germline): Likely benign. Review status: criteria provided, multiple submitters, no conflicts (2 of 4 stars). 6 submissions from 6 submitters: Likely benign (6). Last evaluated 2026-05-08.

Conditions:
FLNC-related disorder. Also called: FLNC-related disorders; FLNC-related condition.
Cardiovascular phenotype. Identifiers: MedGen CN230736.
Distal myopathy with posterior leg and anterior hand involvement. Also called: WILLIAMS DISTAL MYOPATHY. Identifiers: Orphanet 63273, MedGen C3279722, MONDO:0013550, OMIM 614065.
Hypertrophic cardiomyopathy 26. Also called: Cardiomyopathy, familial hypertrophic, 26. Identifiers: Orphanet 75249, MedGen C4310749, MONDO:0014883, OMIM 617047.
Myofibrillar myopathy 5. Also called: Filaminopathy (type); FILAMINOPATHY, AUTOSOMAL DOMINANT. Identifiers: Orphanet 171445, MedGen C1836050, MONDO:0012289, OMIM 609524.

Allele frequency attached by ClinVar (database versions not stated): gnomAD exomes 0.00003 and 0.00004; ExAC 0.00004; gnomAD 0.00004 and 0.00005; TOPMed 0.00005; ESP Exome Variant Server 0.00008.
gnomAD v4.1: 55 of 1,614,062 alleles (0.0034%); highest among the groups gnomAD compares: Middle Eastern, 0.049%; no homozygotes.

Submissions (6):

PreventionGenetics, part of Exact Sciences
Classification: Likely benign for FLNC-related condition. Last evaluated: 2026-05-08. Review status: criteria provided, single submitter. Criteria: ACMG Guidelines, 2015. Collection method: clinical testing. Allele origin: germline.
Comment: This variant is classified as likely benign based on ACMG/AMP sequence variant interpretation guidelines (Richards et al. 2015 PMID: 25741868, with internal and published modifications).

Labcorp Genetics (formerly Invitae), Labcorp
Classification: Likely benign for Distal myopathy with posterior leg and anterior hand involvement; Myofibrillar myopathy 5; Hypertrophic cardiomyopathy 26. Last evaluated: 2026-01-19. Review status: criteria provided, single submitter. Criteria: Invitae Variant Classification Sherloc (09022015). Collection method: clinical testing. Allele origin: germline.

Molecular Diagnostic Laboratory for Inherited Cardiovascular Disease, Montreal Heart Institute
Classification: Likely benign. Last evaluated: 2025-07-24. Review status: criteria provided, single submitter. Criteria: ACMG Guidelines, 2015. Collection method: clinical testing. Allele origin: germline. Affected: no.
Comment: BP7

Blueprint Genetics
Classification: Likely benign. Last evaluated: 2021-11-18. Review status: criteria provided, single submitter. Criteria: ACMG Guidelines, 2015. Collection method: clinical testing. Allele origin: germline.

Ambry Genetics
Classification: Likely benign for Cardiovascular phenotype. Last evaluated: 2021-05-13. Review status: criteria provided, single submitter. Criteria: Ambry Variant Classification Scheme 2023. Collection method: clinical testing. Allele origin: germline.

GeneDx
Classification: Likely benign. Last evaluated: 2020-09-23. Review status: criteria provided, single submitter. Criteria: GeneDx Variant Classification Process June 2021. Collection method: clinical testing. Allele origin: germline. Affected: yes.

NM_001458.5(FLNC):c.4173G>A (p.Ser1391=)

Gene: FLNC (filamin C; plus strand). Cytogenetic location: 7q32.1.
Variant type: single nucleotide variant.
Coding change: c.4173G>A on transcript NM_001458.5 (MANE Select); coding-DNA position 4173, G replaced by A.
Protein change: p.Ser1391=; no amino-acid change (serine 1391 retained).
Molecular consequence: synonymous variant.
Genome position (GRCh38, 1-based): chr7:128,846,790, G>A. VCF-style: chr7-128846790-G-A. GRCh37 (hg19) VCF-style: chr7-128486844-G-A.
Other names: c.4173G>A, p.Ser1391= (NM_001127487.2).
Identifiers: ClinVar variation 1112458 (VCV001112458.17), dbSNP rs201481324, ClinGen allele CA4475269.